The following is an entry in ClinVar:

ClinVar aggregate classification (germline): Uncertain significance (1 of 4 stars; one submission).

Submission:

GeneDx
Classification: Uncertain significance. Last evaluated: 2024-03-13. Review status: criteria provided, single submitter. Criteria: GeneDx Variant Classification Process June 2021. Collection method: clinical testing. Allele origin: germline. Affected: yes.
Comment: Has not been previously published as pathogenic or benign to our knowledge; Not observed at significant frequency in large population cohorts (gnomAD); Regulatory variant in 5'UTR region with an unclear effect on function

NC_000015.10:g.84816856GCTTG[3]

Gene: ALPK3 (alpha kinase 3; plus strand). Cytogenetic location: 15q25.3.
Variant type: Microsatellite.
Genome position: GRCh38 VCF-style: chr15-84816853-G-GTGGCT. GRCh37 (hg19) VCF-style: chr15-85360084-G-GTGGCT.
Identifiers: ClinVar variation 3342554 (VCV003342554.1).